The following is an entry in ClinVar:

NM_207122.2(EXT2):c.473A>G (p.Asp158Gly)

Gene: EXT2 (exostosin glycosyltransferase 2; plus strand). Cytogenetic location: 11p11.2.
Variant type: single nucleotide variant.
Coding change: c.473A>G on transcript NM_207122.2 (MANE Select); coding-DNA position 473, A replaced by G.
Protein change: p.Asp158Gly; replaces aspartic acid 158 with glycine.
Molecular consequence: missense variant.
Genome position (GRCh38, 1-based): chr11:44,108,185, A>G. VCF-style: chr11-44108185-A-G. GRCh37 (hg19) VCF-style: chr11-44129735-A-G.
Other names: c.572A>G, p.Asp191Gly (NM_000401.3); c.473A>G, p.Asp158Gly (NM_001178083.3, NM_001389628.1, NM_001389630.1); short protein forms D191G, D158G.
Identifiers: ClinVar variation 953271 (VCV000953271.10), dbSNP rs1954089321, ClinGen allele CA380180418.

ClinVar aggregate classification (germline): Uncertain significance (1 of 4 stars; one submission).

Conditions:
Exostoses, multiple, type 2 (EXT2). Also called: Hereditary Multiple Osteochondromatosis, Type II; EXOSTOSES, MULTIPLE, TYPE II. Identifiers: Orphanet 321, MedGen C1851413, MONDO:0007586, OMIM 133701.

gnomAD v4.1: 1 of 1,613,886 alleles (0.000062%); no homozygotes.

Submission:

Labcorp Genetics (formerly Invitae), Labcorp
Classification: Uncertain significance for Exostoses, multiple, type 2. Last evaluated: 2019-11-11. Review status: criteria provided, single submitter. Criteria: Invitae Variant Classification Sherloc (09022015). Collection method: clinical testing. Allele origin: germline.
Comment: Algorithms developed to predict the effect of missense changes on protein structure and function are either unavailable or do not agree on the potential impact of this missense change (SIFT: "Deleterious"; PolyPhen-2: "Benign"; Align-GVGD: "Class C0"). Algorithms developed to predict the effect of sequence changes on RNA splicing suggest that this variant may create or strengthen a splice site, but this prediction has not been confirmed by published transcriptional studies. In summary, the available evidence is currently insufficient to determine the role of this variant in disease. Therefore, it has been classified as a Variant of Uncertain Significance. This sequence change replaces aspartic acid with glycine at codon 158 of the EXT2 protein (p.Asp158Gly). The aspartic acid residue is highly conserved and there is a moderate physicochemical difference between aspartic acid and glycine. This variant is not present in population databases (ExAC no frequency). This variant has not been reported in the literature in individuals with EXT2-related conditions.